The following is an entry in ClinVar:

NM_002103.5(GYS1):c.2084_2085del (p.Arg695fs)

Gene: GYS1 (glycogen synthase 1; minus strand). Cytogenetic location: 19q13.33.
Variant type: Microsatellite.
Coding change: c.2084_2085del on transcript NM_002103.5 (MANE Select); coding-DNA positions 2084 to 2085, 2 bases deleted (GC; older notation c.2084_2085delGC).
Protein change: p.Arg695fs; shifts the reading frame from arginine 695.
Molecular consequence: frameshift variant. On other transcripts: non-coding transcript variant (1).
Genome position (GRCh38, 1-based): chr19:48,969,417-48,969,418, GC deleted on the plus strand (GC on the coding strand, the reverse complement: GYS1 is on the minus strand); deleting any 2 consecutive bases within chr19:48,969,417-48,969,421 gives the same sequence; the c. name uses the placement nearest the transcript's 3' end. VCF-style (leftmost placement, unchanged base first): chr19-48969416-GGC-G. GRCh37 (hg19) VCF-style: chr19-49472673-GGC-G.
Other names: c.1892_1893del, p.Arg631fs (NM_001161587.2); short protein forms R631fs, R695fs.
Identifiers: ClinVar variation 1362418 (VCV001362418.8), dbSNP rs2122451939, ClinGen allele CA2580614932.

ClinVar aggregate classification (germline): Uncertain significance (1 of 4 stars; one submission).

Conditions:
Glycogen storage disease due to muscle and heart glycogen synthase deficiency. Also called: GSD 0b; MUSCLE GLYCOGEN SYNTHASE DEFICIENCY. Identifiers: Orphanet 137625, MedGen C1969054, MONDO:0012693, OMIM 611556.

Submission:

Labcorp Genetics (formerly Invitae), Labcorp
Classification: Uncertain significance for Glycogen storage disease due to muscle and heart glycogen synthase deficiency. Last evaluated: 2022-08-21. Review status: criteria provided, single submitter. Criteria: Invitae Variant Classification Sherloc (09022015). Collection method: clinical testing. Allele origin: germline.
Comment: In summary, the available evidence is currently insufficient to determine the role of this variant in disease. Therefore, it has been classified as a Variant of Uncertain Significance. Experimental studies and prediction algorithms are not available or were not evaluated, and the functional significance of this variant is currently unknown. This variant has not been reported in the literature in individuals affected with GYS1-related conditions. This variant is not present in population databases (gnomAD no frequency). This sequence change creates a premature translational stop signal (p.Arg695Profs*42) in the GYS1 gene. While this is not anticipated to result in nonsense mediated decay, it is expected to disrupt the last 43 amino acid(s) of the GYS1 protein.